The following is an entry in ClinVar:

NM_018833.3(TAP2):c.1933-7_1933-5dup

Gene: TAP2 (transporter 2, ATP binding cassette subfamily B member; minus strand). Cytogenetic location: 6p21.32.
Variant type: Duplication.
Coding change: c.1933-7_1933-5dup on transcript NM_018833.3; 7 bases into the intron before coding-DNA position 1933 through 5 bases into the intron before coding-DNA position 1933, 3 bases duplicated (TTT; older notation c.1933-7_1933-5dupTTT).
Molecular consequence: intron variant.
Genome position (GRCh38, 1-based): chr6:32,822,323-32,822,325, AAA duplicated on the plus strand (TTT on the coding strand, the reverse complement: TAP2 is on the minus strand); duplicating any 3 consecutive bases within chr6:32,822,323-32,822,332 gives the same sequence; the c. name uses the placement nearest the transcript's 3' end. VCF-style (leftmost placement, unchanged base first): chr6-32822322-G-GAAA. GRCh37 (hg19) VCF-style: chr6-32790099-G-GAAA.
Identifiers: ClinVar variation 3042978 (VCV003042978.2), dbSNP rs61021012, ClinGen allele CA3745706.

ClinVar aggregate classification (germline): Likely benign (0 of 4 stars; one submission).

Conditions:
TAP2-related disorder. Also called: TAP2-related condition.

Submission:

PreventionGenetics, part of Exact Sciences
Classification: Likely benign for TAP2-related condition. Last evaluated: 2019-06-25. Review status: no assertion criteria provided. Collection method: clinical testing. Allele origin: germline.
Comment: This variant is classified as likely benign based on ACMG/AMP sequence variant interpretation guidelines (Richards et al. 2015 PMID: 25741868, with internal and published modifications).